The following is an entry in ClinVar:

ClinVar aggregate classification (germline): Likely benign (1 of 4 stars; one submission).

Allele frequency attached by ClinVar (database versions not stated): TOPMed below 0.00001.

Submission:

CeGaT Center for Human Genetics Tuebingen
Classification: Likely benign. Last evaluated: 2024-01-01. Review status: criteria provided, single submitter. Criteria: CeGaT Center For Human Genetics Tuebingen Variant Classification Criteria Version 2. Collection method: clinical testing. Allele origin: germline. Affected: yes. Observed: 1 variant allele.
Comment: CACNA1I: BP4, BP7

NM_021096.4(CACNA1I):c.3027G>C (p.Ala1009=)

Gene: CACNA1I (calcium voltage-gated channel subunit alpha1 I; plus strand). Cytogenetic location: 22q13.1.
Variant type: single nucleotide variant.
Coding change: c.3027G>C on transcript NM_021096.4 (MANE Select); coding-DNA position 3027, G replaced by C.
Protein change: p.Ala1009=; no amino-acid change (alanine 1009 retained).
Molecular consequence: synonymous variant.
Genome position (GRCh38, 1-based): chr22:39,662,090, G>C. VCF-style: chr22-39662090-G-C. GRCh37 (hg19) VCF-style: chr22-40058095-G-C.
Other names: c.2922G>C, p.Ala974= (NM_001003406.2).
Identifiers: ClinVar variation 3027006 (VCV003027006.22), dbSNP rs1169454570, ClinGen allele CA514610830.
Genomic context (GRCh38, chr22:39,662,090, plus strand): 5'-CAGCTGGAACAGCCTCAAGCACAAGCCGCCGTCGGCGGAGCATGAGTCCCTGCTCTCTGC[G>C]GAGCGCGGCGGCGGCGCCCGGGTCTGCGAGGTTGCCGCGGACGAGGGGCCGCCGCGGGCC-3'
Protein context (NP_066919.2, residues 999-1019): PSAEHESLLS[Ala1009=]ERGGGARVCE